The following is an entry in ClinVar:

ClinVar aggregate classification (germline): Pathogenic (1 of 4 stars; one submission).

Submission:

Labcorp Genetics (formerly Invitae), Labcorp
Classification: Pathogenic. Last evaluated: 2019-11-19. Review status: criteria provided, single submitter. Criteria: Invitae Variant Classification Sherloc (09022015). Collection method: clinical testing. Allele origin: germline.
Comment: Loss-of-function variants in MSH3 are known to be pathogenic (PMID: 27476653). This sequence change creates a premature translational stop signal (p.Arg86Lysfs*16) in the MSH3 gene. It is expected to result in an absent or disrupted protein product. This variant is not present in population databases (ExAC no frequency). This variant has not been reported in the literature in individuals with MSH3-related conditions. For these reasons, this variant has been classified as Pathogenic.

Literature cited by the submitters: PubMed 27476653.

NM_002439.5(MSH3):c.257del (p.Arg86fs)

Gene: MSH3 (mutS homolog 3; plus strand). Cytogenetic location: 5q14.1.
Variant type: Deletion.
Coding change: c.257del on transcript NM_002439.5 (MANE Select); coding-DNA position 257, one base deleted (G; older notation c.257delG).
Protein change: p.Arg86fs; shifts the reading frame from arginine 86.
Molecular consequence: frameshift variant.
Genome position (GRCh38, 1-based): chr5:80,656,430, G deleted. VCF-style (leftmost placement, unchanged base first): chr5-80656429-AG-A. GRCh37 (hg19) VCF-style: chr5-79952248-AG-A.
Other names: short protein forms R86fs.
Identifiers: ClinVar variation 855984 (VCV000855984.7), dbSNP rs1749286902, ClinGen allele CA916082724.